The following is an entry in ClinVar:

ClinVar aggregate classification (germline): Uncertain significance (1 of 4 stars; one submission).

Conditions:
Hereditary spastic paraplegia 49 (HSAN9). Also called: Spastic paraplegia 49, autosomal recessive; TECPR2-Related Hereditary Sensory and Autonomic Neuropathy with Intellectual Disability; NEUROPATHY, HEREDITARY SENSORY AND AUTONOMIC, TYPE IX, WITH DEVELOPMENTAL DELAY. Identifiers: Orphanet 320385, MedGen C5190860, MONDO:0014016, OMIM 615031.

Submission:

Labcorp Genetics (formerly Invitae), Labcorp
Classification: Uncertain significance for Hereditary spastic paraplegia 49. Last evaluated: 2021-07-04. Review status: criteria provided, single submitter. Criteria: Invitae Variant Classification Sherloc (09022015). Collection method: clinical testing. Allele origin: germline.
Comment: In summary, the available evidence is currently insufficient to determine the role of this variant in disease. Therefore, it has been classified as a Variant of Uncertain Significance. Algorithms developed to predict the effect of missense changes on protein structure and function are either unavailable or do not agree on the potential impact of this missense change (SIFT: "Tolerated"; PolyPhen-2: "Probably Damaging"; Align-GVGD: "Class C0"). This variant has not been reported in the literature in individuals affected with TECPR2-related conditions. This variant is not present in population databases (ExAC no frequency). This sequence change replaces serine with asparagine at codon 53 of the TECPR2 protein (p.Ser53Asn). The serine residue is highly conserved and there is a small physicochemical difference between serine and asparagine.

NM_014844.5(TECPR2):c.158G>A (p.Ser53Asn)

Gene: TECPR2 (tectonin beta-propeller repeat containing 2; plus strand). Cytogenetic location: 14q32.31.
Variant type: single nucleotide variant.
Coding change: c.158G>A on transcript NM_014844.5 (MANE Select); coding-DNA position 158, G replaced by A.
Protein change: p.Ser53Asn; replaces serine 53 with asparagine.
Molecular consequence: missense variant.
Genome position (GRCh38, 1-based): chr14:102,376,879, G>A. VCF-style: chr14-102376879-G-A. GRCh37 (hg19) VCF-style: chr14-102843216-G-A.
Other names: c.158G>A, p.Ser53Asn (NM_001172631.3); short protein forms S53N.
Identifiers: ClinVar variation 1363570 (VCV001363570.6), dbSNP rs750590086, ClinGen allele CA391041326.